The following is an entry in ClinVar:

NM_015374.3(SUN2):c.2013C>T (p.Gly671=)

Genes: GTPBP1 (GTP binding protein 1; plus strand), SUN2 (Sad1 and UNC84 domain containing 2; minus strand). Cytogenetic location: 22q13.1.
Variant type: single nucleotide variant.
Coding change: c.2013C>T on transcript NM_015374.3 (MANE Select); coding-DNA position 2013, C replaced by T.
Protein change: p.Gly671=; no amino-acid change (glycine 671 retained).
Molecular consequence: synonymous variant.
Genome position (GRCh38, 1-based): chr22:38,738,200, G>A on the plus strand (C>T on the coding strand, the complement: SUN2 is on the minus strand). VCF-style: chr22-38738200-G-A. GRCh37 (hg19) VCF-style: chr22-39134205-G-A.
Other names: c.2076C>T, p.Gly692= (NM_001199579.2, NM_001394428.1); c.2013C>T, p.Gly671= (NM_001199580.2, NM_001394431.1, NM_001394434.1 and 3 more transcripts); c.2106C>T, p.Gly702= (NM_001394427.1); c.2058C>T, p.Gly686= (NM_001394429.1, NM_001394430.1); c.2010C>T, p.Gly670= (NM_001394436.1, NM_001394437.1); c.1923C>T, p.Gly641= (NM_001394438.1); c.1875C>T, p.Gly625= (NM_001394439.1, NM_001394440.1, NM_001394441.1); c.1614C>T, p.Gly538= (NM_001394442.1); and 2 more.
Identifiers: ClinVar variation 2912637 (VCV002912637.3), dbSNP rs2092823875, ClinGen allele CA514780808.
Genomic context (GRCh38, chr22:38,738,200, plus strand): 5'-CGCCACTTCTGCTAGCACAGCAGCATCCCGTACCTGAAAGTGAAACGTCTGAATAGGCTC[G>A]CCGTCCTGATCGTAAGTGAACTTGCCAAGGAGTGTCCCCTCCTGCTGCAGGTCTTCGTCA-3'
Protein context (NP_056189.1, residues 661-681): LLGKFTYDQD[Gly671=]EPIQTFHFQA

ClinVar aggregate classification (germline): Uncertain significance (1 of 4 stars; one submission).

Conditions:
Emery-Dreifuss muscular dystrophy (EDMD). Also called: Scapuloperoneal syndrome, X-linked (formerly); Humeroperoneal neuromuscular disease, (formerly). Identifiers: Orphanet 261, MedGen C0410189, MONDO:0016830.

Allele frequency attached by ClinVar (database versions not stated): gnomAD exomes below 0.00001.
gnomAD v4.1: 2 of 1,613,924 alleles (0.00012%); highest among the groups gnomAD compares: Middle Eastern, 0.016%; no homozygotes.

Submission:

Labcorp Genetics (formerly Invitae), Labcorp
Classification: Uncertain significance for Emery-Dreifuss muscular dystrophy. Last evaluated: 2024-01-02. Review status: criteria provided, single submitter. Criteria: Invitae Variant Classification Sherloc (09022015). Collection method: clinical testing. Allele origin: germline.
Comment: This sequence change affects codon 671 of the SUN2 mRNA. It is a 'silent' change, meaning that it does not change the encoded amino acid sequence of the SUN2 protein. This variant is not present in population databases (gnomAD no frequency). This variant has not been reported in the literature in individuals affected with SUN2-related conditions. Algorithms developed to predict the effect of sequence changes on RNA splicing suggest that this variant may create or strengthen a splice site. In summary, the available evidence is currently insufficient to determine the role of this variant in disease. Therefore, it has been classified as a Variant of Uncertain Significance.